The following is an entry in ClinVar:

ClinVar aggregate classification (germline): Uncertain significance (1 of 4 stars; one submission).

Conditions:
FG syndrome (FGS). Identifiers: MedGen C0220769, MONDO:0002010.

Submission:

Labcorp Genetics (formerly Invitae), Labcorp
Classification: Uncertain significance for FG syndrome. Last evaluated: 2022-07-06. Review status: criteria provided, single submitter. Criteria: Invitae Variant Classification Sherloc (09022015). Collection method: clinical testing. Allele origin: germline.
Comment: In summary, the available evidence is currently insufficient to determine the role of this variant in disease. Therefore, it has been classified as a Variant of Uncertain Significance. Algorithms developed to predict the effect of missense changes on protein structure and function (SIFT, PolyPhen-2, Align-GVGD) all suggest that this variant is likely to be disruptive. This variant has not been reported in the literature in individuals affected with MED12-related conditions. This variant is not present in population databases (gnomAD no frequency). This sequence change replaces leucine, which is neutral and non-polar, with valine, which is neutral and non-polar, at codon 1307 of the MED12 protein (p.Leu1307Val).

NM_005120.3(MED12):c.3919C>G (p.Leu1307Val)

Gene: MED12 (mediator complex subunit 12; plus strand). Cytogenetic location: Xq13.1.
Variant type: single nucleotide variant.
Coding change: c.3919C>G on transcript NM_005120.3 (MANE Select); coding-DNA position 3919, C replaced by G.
Protein change: p.Leu1307Val; replaces leucine 1307 with valine.
Molecular consequence: missense variant.
Genome position (GRCh38, 1-based): chrX:71,130,086, C>G. VCF-style: chrX-71130086-C-G. GRCh37 (hg19) VCF-style: chrX-70349936-C-G.
Other names: short protein forms L1307V.
Identifiers: ClinVar variation 2079872 (VCV002079872.4), dbSNP rs2519694888, ClinGen allele CA413523100.